The following is an entry in ClinVar:

NM_020632.3(ATP6V0A4):c.2420G>A (p.Arg807Gln)

Gene: ATP6V0A4 (ATPase H+ transporting V0 subunit a4; minus strand). Cytogenetic location: 7q34.
Variant type: single nucleotide variant.
Coding change: c.2420G>A on transcript NM_020632.3 (MANE Select); coding-DNA position 2420, G replaced by A.
Protein change: p.Arg807Gln; replaces arginine 807 with glutamine.
Molecular consequence: missense variant.
Genome position (GRCh38, 1-based): chr7:138,709,633, C>T on the plus strand (G>A on the coding strand, the complement: ATP6V0A4 is on the minus strand). VCF-style: chr7-138709633-C-T. GRCh37 (hg19) VCF-style: chr7-138394378-C-T.
Other names: c.2420G>A, p.Arg807Gln (NM_130840.3, NM_130841.3); short protein forms R807Q.
Identifiers: ClinVar variation 5159 (VCV000005159.21), dbSNP rs28939081, ClinGen allele CA117298.

ClinVar aggregate classification (germline): Pathogenic/Likely pathogenic. Review status: criteria provided, multiple submitters, no conflicts (2 of 4 stars). 8 submissions from 7 submitters: Pathogenic (4); Likely pathogenic (3). 1 of the submissions does not count toward it. Last evaluated 2025-06-27.

Conditions:
Renal tubular acidosis, distal, 3, with or without sensorineural hearing loss (DRTA3). Identifiers: MedGen C5399980, MONDO:0011268, OMIM 602722.
Autosomal recessive distal renal tubular acidosis. Identifiers: Orphanet 402041, MedGen C1864498, MONDO:0018440.

Allele frequency attached by ClinVar (database versions not stated): gnomAD 0.00001; gnomAD exomes 0.00001 and 0.00004; TOPMed 0.00002; 1000 Genomes Project 0.00020; ExAC 0.00002; 1000 Genomes Project 30x 0.00016.

Submissions (8):

Labcorp Genetics (formerly Invitae), Labcorp
Classification: Pathogenic. Last evaluated: 2025-06-27. Review status: criteria provided, single submitter. Criteria: Invitae Variant Classification Sherloc (09022015). Collection method: clinical testing. Allele origin: germline.
Comment: This sequence change replaces arginine, which is basic and polar, with glutamine, which is neutral and polar, at codon 807 of the ATP6V0A4 protein (p.Arg807Gln). This variant is present in population databases (rs28939081, gnomAD 0.02%). This missense change has been observed in individual(s) with renal tubular acidosis (PMID: 12414817, 23754897, 29202719). In at least one individual the data is consistent with being in trans (on the opposite chromosome) from a pathogenic variant. It has also been observed to segregate with disease in related individuals. ClinVar contains an entry for this variant (Variation ID: 5159). Invitae Evidence Modeling of protein sequence and biophysical properties (such as structural, functional, and spatial information, amino acid conservation, physicochemical variation, residue mobility, and thermodynamic stability) indicates that this missense variant is expected to disrupt ATP6V0A4 protein function with a positive predictive value of 80%. Experimental studies have shown that this missense change affects ATP6V0A4 function (PMID: 18632794). For these reasons, this variant has been classified as Pathogenic.

Dasa
Classification: Likely pathogenic. Last evaluated: 2025-01-28. Review status: criteria provided, single submitter. Criteria: DASA Assertion Criteria. Collection method: clinical testing. Allele origin: germline.
Comment: NM_020632.3(ATP6V0A4):c.2420G>A (p.Arg807Gln) is a missense variant that results in the substitution of arginine with glutamine. This variant has been recurrently observed in individuals with ATP6V0A4-related disorders (PMID: 19639346; PMID: 29202719; PMID: 23754897; PMID: 26571219). Functional evidence supports an impact on the gene or gene product. Also, this variant is rare in population databases. Computational evidence supports a deleterious effect. Based on the currently available evidence, this variant is classified as likely pathogenic.

Fulgent Genetics
Classification: Pathogenic for Renal tubular acidosis, distal, 3, with or without sensorineural hearing loss. Last evaluated: 2024-02-09. Review status: criteria provided, single submitter. Criteria: ACMG Guidelines, 2015. Collection method: clinical testing. Allele origin: germline.

GeneDx
Classification: Pathogenic. Last evaluated: 2023-06-10. Review status: criteria provided, single submitter. Criteria: GeneDx Variant Classification Process June 2021. Collection method: clinical testing. Allele origin: germline. Affected: yes.
Comment: Published functional studies demonstrate a damaging effect (Su et al., 2008); In silico analysis, which includes protein predictors and evolutionary conservation, supports a deleterious effect; This variant is associated with the following publications: (PMID: 18632794, 29202719, 19639346, 30588151, 28233610, 26571219, 23754897, 24564331, 23114896, 19277700, 30139458, 31589614, 12414817)

Fulgent Genetics
Classification: Pathogenic for Renal tubular acidosis, distal, 3, with or without sensorineural hearing loss. Last evaluated: 2021-06-30. Review status: criteria provided, single submitter. Criteria: ACMG Guidelines, 2015. Collection method: clinical testing. Allele origin: unknown.
Comment: This variant has been detected in individual(s) who were sent for testing of Renasight - kidney gene panel.

Revvity Omics, Revvity
Classification: Likely pathogenic for Renal tubular acidosis, distal, 3, with or without sensorineural hearing loss. Last evaluated: 2020-01-14. Review status: criteria provided, single submitter. Criteria: ACMG Guidelines, 2015. Collection method: clinical testing. Allele origin: germline.

Neuberg Centre For Genomic Medicine, NCGM
Classification: Likely pathogenic for Renal tubular acidosis, distal, 3, with or without sensorineural hearing loss. Review status: criteria provided, single submitter. Criteria: ACMG Guidelines, 2015. Collection method: clinical testing. Allele origin: germline. Inheritance: Autosomal recessive inheritance. Affected: yes.
Comment: The ATP6V0A4 c.2420G>A (p.Arg807Gln) variant has been reported in heterozygous state in individuals affected with distal renal tubular acidosis 3, with or without sensorineural hearing loss (Stover EH et. al., 2002). The amino acid Arg at position 807 is changed to a Gln changing protein sequence and it might alter its composition and physico-chemical properties. This variant has been reported to the ClinVar database as Pathogenic/Likely pathogenic. It has allele frequency of 0.004% in gnomAD database. The variant is predicted to be damaging by both SIFT and PolyPhen2. The amino acid change p.Arg807Gln in ATP6V0A4 is predicted as conserved by GERP++ and PhyloP across 100 vertebrates. For these reasons, this variant has been classified as Likely Pathogenic.

OMIM
Classification: Pathogenic for RENAL TUBULAR ACIDOSIS, DISTAL, 3, WITH SENSORINEURAL HEARING LOSS. Last evaluated: 2002-11-01. Review status: no assertion criteria provided. Collection method: literature only. Allele origin: germline. Not counted in ClinVar's aggregate classification.

Literature cited by the submitters: PubMed 12414817 (cited by Labcorp Genetics (formerly Invitae), Labcorp and OMIM); PubMed 23754897 (cited by Labcorp Genetics (formerly Invitae), Labcorp and Dasa); PubMed 29202719 (cited by Labcorp Genetics (formerly Invitae), Labcorp and Dasa); PubMed 18632794 (cited by Labcorp Genetics (formerly Invitae), Labcorp and Dasa); PubMed 19639346 (cited by Dasa); PubMed 26571219 (cited by Dasa).